The following is an entry in ClinVar:

NM_000143.4(FH):c.379-7dup

Gene: FH (fumarate hydratase; minus strand). Cytogenetic location: 1q43.
Variant type: Duplication.
Coding change: c.379-7dup on transcript NM_000143.4 (MANE Select); 7 bases into the intron before coding-DNA position 379, one base duplicated (T; older notation c.379-7dupT).
Molecular consequence: intron variant.
Genome position (GRCh38, 1-based): chr1:241,512,150, A duplicated on the plus strand (T on the coding strand, the reverse complement: FH is on the minus strand); the first of 6 consecutive A bases (chr1:241,512,150-241,512,155); duplicating any one gives the same sequence. VCF-style (leftmost placement, unchanged base first): chr1-241512149-G-GA. GRCh37 (hg19) VCF-style: chr1-241675449-G-GA.
Other names: c.379-7dupT (NM_000143.3).
Identifiers: ClinVar variation 529833 (VCV000529833.14), dbSNP rs761444069, ClinGen allele CA1478689.
Genomic context (GRCh38, chr1:241,512,149, plus strand): 5'-ATCCAGTCTGCCATACCACGAGAGGAAAATGATCATTTAATTTACCTTCAGCTACCTGCA[G>GA]AAAAAATGTTAAAAATGTATTTTAAAAAAGGAAATAATAATGCTGATTATGCCACAGAGT-3'

ClinVar aggregate classification (germline): Benign/Likely benign. Review status: criteria provided, multiple submitters, no conflicts (2 of 4 stars). 3 submissions from 3 submitters: Benign (2); Likely benign (1). Last evaluated 2025-09-21.

Conditions:
Hereditary leiomyomatosis and renal cell cancer. Also called: MULTIPLE CUTANEOUS AND UTERINE LEIOMYOMATA 1, WITH OR WITHOUT RENAL CELL CARCINOMA; LEIOMYOMA, MULTIPLE CUTANEOUS; Familial leiomyomatosis; Multiple cutaneous leiomyomas; FH tumor predisposition syndrome; Reed syndrome. Identifiers: Orphanet 523, MedGen C1708350, MONDO:0007888, OMIM 150800, HP:0007437. Disease mechanism: loss of function.

Submissions (3):

Labcorp Genetics (formerly Invitae), Labcorp
Classification: Benign. Last evaluated: 2025-09-21. Review status: criteria provided, single submitter. Criteria: Invitae Variant Classification Sherloc (09022015). Collection method: clinical testing. Allele origin: germline.

Myriad Genetics, Inc.
Classification: Benign for Hereditary leiomyomatosis and renal cell cancer. Last evaluated: 2024-09-11. Review status: criteria provided, single submitter. Criteria: Myriad Autosomal Dominant, Autosomal Recessive and X-Linked Classification Criteria (2023). Collection method: clinical testing. Allele origin: unknown.
Comment: This variant is considered benign. This variant is intronic and is not expected to impact mRNA splicing. This variant has been observed at a population frequency that is significantly greater than expected given the associated disease prevalence and penetrance.

GeneDx
Classification: Likely benign. Last evaluated: 2023-12-12. Review status: criteria provided, single submitter. Criteria: GeneDx Variant Classification Process June 2021. Collection method: clinical testing. Allele origin: germline. Affected: yes.
Comment: See Variant Classification Assertion Criteria.